The following is an entry in ClinVar:

ClinVar aggregate classification (germline): Uncertain significance (1 of 4 stars; one submission).

Submission:

Dasa
Classification: Uncertain significance. Last evaluated: 2025-09-25. Review status: criteria provided, single submitter. Criteria: DASA Assertion Criteria. Collection method: clinical testing. Allele origin: germline.
Comment: NM_001161352.2(KCNMA1):c.923T>G (p.Ile308Ser) is a missense variant that results in the substitution of isoleucine with serine. The affected residue or protein region has prior evidence supporting clinical relevance. This variant is absent from population databases. Computational prediction algorithms are consistent with a deleterious effect. The currently available literature and clinical evidence are not sufficient to establish a definitive association between this variant and the reported condition. Therefore, this variant is classified as a variant of uncertain significance.

NM_001161352.2(KCNMA1):c.923T>G (p.Ile308Ser)

Gene: KCNMA1 (potassium calcium-activated channel subfamily M alpha 1; minus strand). Cytogenetic location: 10q22.3.
Variant type: single nucleotide variant.
Coding change: c.923T>G on transcript NM_001161352.2 (MANE Select); coding-DNA position 923, T replaced by G.
Protein change: p.Ile308Ser; replaces isoleucine 308 with serine.
Molecular consequence: missense variant.
Genome position (GRCh38, 1-based): chr10:77,112,404, A>C on the plus strand (T>G on the coding strand, the complement: KCNMA1 is on the minus strand). VCF-style: chr10-77112404-A-C. GRCh37 (hg19) VCF-style: chr10-78872162-A-C.
Other names: c.923T>G, p.Ile308Ser (NM_001437423.1, NM_002247.4, NM_001271519.2 and 9 more transcripts); c.383T>G, p.Ile128Ser (NM_001322838.2); c.1055T>G, p.Ile352Ser (NM_001437422.1); c.761T>G, p.Ile254Ser (NM_001271518.2); short protein forms I128S, I254S, I308S, I352S.
Identifiers: ClinVar variation 5020851 (VCV005020851.1).